The following is an entry in ClinVar:

NM_006790.3(MYOT):c.1118C>T (p.Ser373Leu)

Genes: MYOT (myotilin; plus strand), PKD2L2-DT (PKD2L2 divergent transcript; minus strand). Cytogenetic location: 5q31.2.
Variant type: single nucleotide variant.
Coding change: c.1118C>T on transcript NM_006790.3 (MANE Select); coding-DNA position 1118, C replaced by T.
Protein change: p.Ser373Leu; replaces serine 373 with leucine.
Molecular consequence: missense variant.
Genome position (GRCh38, 1-based): chr5:137,886,141, C>T. VCF-style: chr5-137886141-C-T. GRCh37 (hg19) VCF-style: chr5-137221830-C-T.
Other names: c.566C>T, p.Ser189Leu (NM_001135940.2); c.773C>T, p.Ser258Leu (NM_001300911.2); short protein forms S189L, S258L, S373L.
Identifiers: ClinVar variation 2167725 (VCV002167725.4), dbSNP rs896087188, ClinGen allele CA128107517.

ClinVar aggregate classification (germline): Uncertain significance (1 of 4 stars; one submission).

Conditions:
Myofibrillar myopathy 3 (MFM3). Also called: Autosomal dominant spheroid body myopathy; Muscular dystrophy, proximal, type 1A. Identifiers: Orphanet 266, Orphanet 268129, MedGen C3714934, MONDO:0012215, OMIM 609200.

Allele frequency attached by ClinVar (database versions not stated): gnomAD 0.00001; gnomAD exomes 0.00001; TOPMed 0.00001.

Submission:

Labcorp Genetics (formerly Invitae), Labcorp
Classification: Uncertain significance for Myofibrillar myopathy 3. Last evaluated: 2022-07-17. Review status: criteria provided, single submitter. Criteria: Invitae Variant Classification Sherloc (09022015). Collection method: clinical testing. Allele origin: germline.
Comment: This sequence change replaces serine, which is neutral and polar, with leucine, which is neutral and non-polar, at codon 373 of the MYOT protein (p.Ser373Leu). This variant is not present in population databases (gnomAD no frequency). This variant has not been reported in the literature in individuals affected with MYOT-related conditions. Algorithms developed to predict the effect of missense changes on protein structure and function are either unavailable or do not agree on the potential impact of this missense change (SIFT: "Deleterious"; PolyPhen-2: "Probably Damaging"; Align-GVGD: "Class C15"). In summary, the available evidence is currently insufficient to determine the role of this variant in disease. Therefore, it has been classified as a Variant of Uncertain Significance.